The following is an entry in ClinVar:

NM_006260.5(DNAJC3):c.206A>G (p.Asp69Gly)

Gene: DNAJC3 (DnaJ heat shock protein family (Hsp40) member C3; plus strand). Cytogenetic location: 13q32.1.
Variant type: single nucleotide variant.
Coding change: c.206A>G on transcript NM_006260.5 (MANE Select); coding-DNA position 206, A replaced by G.
Protein change: p.Asp69Gly; replaces aspartic acid 69 with glycine.
Molecular consequence: missense variant.
Genome position (GRCh38, 1-based): chr13:95,723,254, A>G. VCF-style: chr13-95723254-A-G. GRCh37 (hg19) VCF-style: chr13-96375508-A-G.
Other names: c.206A>G (NM_006260.4); short protein forms D69G.
Identifiers: ClinVar variation 1684692 (VCV001684692.2), dbSNP rs148990795, ClinGen allele CA7021219.

ClinVar aggregate classification (germline): Uncertain significance. Review status: criteria provided, multiple submitters, no conflicts (2 of 4 stars). 2 submissions from 2 submitters: Uncertain significance (2). Last evaluated 2024-10-01.

Allele frequency attached by ClinVar (database versions not stated): ExAC 0.00036; TOPMed 0.00036; ESP Exome Variant Server 0.00038; gnomAD exomes 0.00039 and 0.00049; gnomAD 0.00051 and 0.00052.
gnomAD v4.1: 783 of 1,597,286 alleles (0.049%); highest among the groups gnomAD compares: Middle Eastern, 0.13%; no homozygotes.

Submissions (2):

GeneDx
Classification: Uncertain significance. Last evaluated: 2024-10-01. Review status: criteria provided, single submitter. Criteria: GeneDx Variant Classification Process June 2021. Collection method: clinical testing. Allele origin: germline. Affected: yes.
Comment: In silico analysis indicates that this missense variant does not alter protein structure/function; Has not been previously published as pathogenic or benign to our knowledge

Mendelics
Classification: Uncertain significance. Last evaluated: 2022-05-04. Review status: criteria provided, single submitter. Criteria: Mendelics Assertion Criteria 2019. Collection method: clinical testing. Allele origin: germline.